The following is an entry in ClinVar:

ClinVar aggregate classification (germline): Pathogenic/Likely pathogenic. Review status: criteria provided, multiple submitters, no conflicts (2 of 4 stars). 3 submissions from 3 submitters: Pathogenic (1); Likely pathogenic (2). Last evaluated 2025-10-14.

Conditions:
Aicardi Goutieres syndrome (AGS). Also called: Encephalopathy, familial infantile, with calcification of basal ganglia and chronic cerebrospinal fluid lymphocytosis. Identifiers: Orphanet 51, MedGen C0393591, MONDO:0018866.
Aicardi-Goutieres syndrome 5. Identifiers: Orphanet 51, MedGen C2749659, MONDO:0013059, OMIM 612952.

Allele frequency attached by ClinVar (database versions not stated): ESP Exome Variant Server 0.00008.
gnomAD v4.1: 4 of 1,614,080 alleles (0.00025%); highest among the groups gnomAD compares: Non-Finnish European, 0.00025%; no homozygotes.

Submissions (3):

Natera, Inc.
Classification: Likely pathogenic for Aicardi-Goutieres syndrome. Last evaluated: 2025-10-14. Review status: criteria provided, single submitter. Criteria: Natera Variant Classification Schema (03/2026). Collection method: clinical testing. Allele origin: germline.
Comment: The c.1651C>T variant in SAMHD1 is a nonsense variant predicted to introduce a stop codon at amino acid 551. This variant is expected to result in nonsense mediated decay, truncation, or a dysfunctional protein product. This variant is rare in the general population with a frequency below the threshold expected for the associated phenotype(s). Given the available evidence, this variant is classified as Likely Pathogenic.

Labcorp Genetics (formerly Invitae), Labcorp
Classification: Pathogenic for Aicardi-Goutieres syndrome 5. Last evaluated: 2023-09-06. Review status: criteria provided, single submitter. Criteria: Invitae Variant Classification Sherloc (09022015). Collection method: clinical testing. Allele origin: germline.
Comment: This sequence change creates a premature translational stop signal (p.Arg551*) in the SAMHD1 gene. It is expected to result in an absent or disrupted protein product. Loss-of-function variants in SAMHD1 are known to be pathogenic (PMID: 19525956, 22461318). This variant is not present in population databases (gnomAD no frequency). This variant has not been reported in the literature in individuals affected with SAMHD1-related conditions. ClinVar contains an entry for this variant (Variation ID: 81627). Algorithms developed to predict the effect of sequence changes on RNA splicing suggest that this variant may disrupt the consensus splice site. For these reasons, this variant has been classified as Pathogenic.

Women's Health and Genetics/Laboratory Corporation of America, LabCorp
Classification: Likely pathogenic for Aicardi Goutieres syndrome. Last evaluated: 2022-12-09. Review status: criteria provided, single submitter. Criteria: LabCorp Variant Classification Summary - May 2015. Collection method: clinical testing. Allele origin: germline.
Comment: Variant summary: SAMHD1 c.1651C>T (p.Arg551X) results in a premature termination codon, predicted to cause a truncation of the encoded protein or absence of the protein due to nonsense mediated decay, which are commonly known mechanisms for disease. At least one downstream truncating variant has been reported in HGMD in association with Aicardi-Goutires syndrome 5. The variant was absent in 251434 control chromosomes. To our knowledge, no occurrence of c.1651C>T in individuals affected with Aicardi Goutieres Syndrome and no experimental evidence demonstrating its impact on protein function have been reported. One clinical diagnostic laboratory has submitted clinical-significance assessments for this variant to ClinVar after 2014 and classified the variant as pathogenic. Based on the evidence outlined above, the variant was classified as likely pathogenic.

Literature cited by the submitters: PubMed 19525956 (cited by Labcorp Genetics (formerly Invitae), Labcorp); PubMed 22461318 (cited by Labcorp Genetics (formerly Invitae), Labcorp).

NM_015474.4(SAMHD1):c.1651C>T (p.Arg551Ter)

Gene: SAMHD1 (SAM and HD domain containing deoxynucleoside triphosphate triphosphohydrolase 1; minus strand). Cytogenetic location: 20q11.23.
Variant type: single nucleotide variant.
Coding change: c.1651C>T on transcript NM_015474.4 (MANE Select); coding-DNA position 1651, C replaced by T.
Protein change: p.Arg551Ter; replaces arginine 551 with a stop codon.
Molecular consequence: nonsense.
Genome position (GRCh38, 1-based): chr20:36,897,917, G>A on the plus strand (C>T on the coding strand, the complement: SAMHD1 is on the minus strand). VCF-style: chr20-36897917-G-A. GRCh37 (hg19) VCF-style: chr20-35526320-G-A.
Other names: c.1546C>T, p.Arg516Ter (NM_001363729.2); c.1651C>T, p.Arg551Ter (NM_001363733.2); short protein forms R551*, R516*.
Identifiers: ClinVar variation 81627 (VCV000081627.9), dbSNP rs149846637, ClinGen allele CA314281281.
Genomic context (GRCh38, chr20:36,897,917, plus strand): 5'-GAACAAAATATTGTCTTGCGGCATACAAACTCTTTCTGTCCACCTTCTTACAATATACTC[G>A]AATCAGCTGCTCTGCAAATTTCTCTGGCAGAAGTTGTGAAACCTTTTTAAAATGAAGAGA-3'